The following is an entry in ClinVar:

NM_025137.4(SPG11):c.6308A>G (p.Lys2103Arg)

Gene: SPG11 (SPG11 vesicle trafficking associated, spatacsin; minus strand). Cytogenetic location: 15q21.1.
Variant type: single nucleotide variant.
Coding change: c.6308A>G on transcript NM_025137.4 (MANE Select); coding-DNA position 6308, A replaced by G.
Protein change: p.Lys2103Arg; replaces lysine 2103 with arginine.
Molecular consequence: missense variant.
Genome position (GRCh38, 1-based): chr15:44,572,718, T>C on the plus strand (A>G on the coding strand, the complement: SPG11 is on the minus strand). VCF-style: chr15-44572718-T-C. GRCh37 (hg19) VCF-style: chr15-44864916-T-C.
Other names: c.5969A>G, p.Lys1990Arg (NM_001160227.2); short protein forms K2103R, K1990R.
Identifiers: ClinVar variation 466553 (VCV000466553.8), dbSNP rs1555447440, ClinGen allele CA392217165.

ClinVar aggregate classification (germline): Uncertain significance (1 of 4 stars; one submission).

Conditions:
Hereditary spastic paraplegia 11. Also called: SPASTIC PARAPLEGIA, AUTOSOMAL RECESSIVE, COMPLICATED, WITH THIN CORPUS CALLOSUM; SPASTIC PARAPLEGIA, AUTOSOMAL RECESSIVE, WITH MENTAL IMPAIRMENT AND THIN CORPUS CALLOSUM; Nakamura Osame syndrome; Autosomal recessive hereditary spastic paraplegia, mental impairment, and thin corpus callosum; Spastic paraplegia, mental retardation and thin corpus callosum; Spastic Paraplegia 11. Identifiers: Orphanet 2822, MedGen C1858479, MONDO:0011445, OMIM 604360.

Submission:

Labcorp Genetics (formerly Invitae), Labcorp
Classification: Uncertain significance for Hereditary spastic paraplegia 11. Last evaluated: 2022-09-01. Review status: criteria provided, single submitter. Criteria: Invitae Variant Classification Sherloc (09022015). Collection method: clinical testing. Allele origin: germline.
Comment: This sequence change replaces lysine, which is basic and polar, with arginine, which is basic and polar, at codon 2103 of the SPG11 protein (p.Lys2103Arg). In summary, the available evidence is currently insufficient to determine the role of this variant in disease. Therefore, it has been classified as a Variant of Uncertain Significance. Algorithms developed to predict the effect of missense changes on protein structure and function output the following: SIFT: "Tolerated"; PolyPhen-2: "Probably Damaging"; Align-GVGD: "Class C0". The arginine amino acid residue is found in multiple mammalian species, which suggests that this missense change does not adversely affect protein function. ClinVar contains an entry for this variant (Variation ID: 466553). This variant has not been reported in the literature in individuals affected with SPG11-related conditions. This variant is not present in population databases (gnomAD no frequency).